The following is an entry in ClinVar:

NM_018082.6(POLR3B):c.1603A>G (p.Asn535Asp)

Gene: POLR3B (RNA polymerase III subunit B; plus strand). Cytogenetic location: 12q23.3.
Variant type: single nucleotide variant.
Coding change: c.1603A>G on transcript NM_018082.6 (MANE Select); coding-DNA position 1603, A replaced by G.
Protein change: p.Asn535Asp; replaces asparagine 535 with aspartic acid.
Molecular consequence: missense variant.
Genome position (GRCh38, 1-based): chr12:106,432,456, A>G. VCF-style: chr12-106432456-A-G. GRCh37 (hg19) VCF-style: chr12-106826234-A-G.
Other names: c.1429A>G, p.Asn477Asp (NM_001160708.2); short protein forms N477D, N535D.
Identifiers: ClinVar variation 1363124 (VCV001363124.6), dbSNP rs755854514, ClinGen allele CA6761969.
Genomic context (GRCh38, chr12:106,432,456, plus strand): 5'-GCCAGTAACTTGGGAGTAGAAGATGTGAATTTATTATGTGGGGAAGAGCTCTCTTACCCA[A>G]ATGTGTTTCTTGTCTTTCTTAATGGTGGGTATATTATAGAGACATGTTGGTCCTAGATAG-3'
Protein context (NP_060552.4, residues 525-545): LLCGEELSYP[Asn535Asp]VFLVFLNGNI

ClinVar aggregate classification (germline): Uncertain significance (1 of 4 stars; one submission).

Allele frequency attached by ClinVar (database versions not stated): TOPMed 0.00001; ExAC 0.00002; gnomAD exomes 0.00004.
gnomAD v4.1: 11 of 1,613,126 alleles (0.00068%); highest among the groups gnomAD compares: Admixed American, 0.018%; no homozygotes.

Submission:

Labcorp Genetics (formerly Invitae), Labcorp
Classification: Uncertain significance. Last evaluated: 2022-03-15. Review status: criteria provided, single submitter. Criteria: Invitae Variant Classification Sherloc (09022015). Collection method: clinical testing. Allele origin: germline.
Comment: Algorithms developed to predict the effect of missense changes on protein structure and function (SIFT, PolyPhen-2, Align-GVGD) all suggest that this variant is likely to be tolerated. In summary, the available evidence is currently insufficient to determine the role of this variant in disease. Therefore, it has been classified as a Variant of Uncertain Significance. Algorithms developed to predict the effect of sequence changes on RNA splicing suggest that this variant may create or strengthen a splice site. This missense change has been observed in individual(s) with POLR3B-related ataxia, spasticity, and demyelinating neuropathy (Invitae). This variant is present in population databases (rs755854514, gnomAD 0.02%). This sequence change replaces asparagine, which is neutral and polar, with aspartic acid, which is acidic and polar, at codon 535 of the POLR3B protein (p.Asn535Asp).